The following is an entry in ClinVar:

ClinVar aggregate classification (germline): Conflicting classifications of pathogenicity. Review status: criteria provided, conflicting classifications (1 of 4 stars). 6 submissions from 6 submitters: Uncertain significance (1); Likely benign (4). 1 of the submissions does not count toward it. Last evaluated 2026-09-01.

Conditions:
ATRX-related disorder. Also called: ATRX-related condition.
Inborn genetic diseases. Identifiers: MedGen C0950123, MeSH D030342.
Alpha thalassemia-X-linked intellectual disability syndrome (ATRX). Also called: ALPHA-THALASSEMIA/IMPAIRED INTELLECTUAL DEVELOPMENT SYNDROME, X-LINKED; ALPHA-THALASSEMIA/MENTAL RETARDATION SYNDROME, X-LINKED; ATR, NONDELETION TYPE; X-linked alpha-thalassemia-mental retardation syndrome; ATR-X syndrome; Alpha thalassemia mental retardation syndrome, nondeletion type, X-linked. Identifiers: Orphanet 847, MedGen C1845055, MONDO:0010519, OMIM 301040.
ATR-X-related syndrome. Identifiers: MedGen CN257940, MONDO:0016980.

Allele frequency attached by ClinVar (database versions not stated): gnomAD 0.00009 and 0.00007; 1000 Genomes Project 30x 0.00125; 1000 Genomes Project 0.00132; gnomAD exomes 0.00005 and 0.00007; ESP Exome Variant Server 0.00009; ExAC 0.00009; TOPMed 0.00007.
gnomAD v4.1: 62 of 1,206,393 alleles (0.0051%); highest among the groups gnomAD compares: South Asian, 0.034%; no homozygotes.

Submissions (6):

CeGaT Center for Human Genetics Tuebingen
Classification: Likely benign. Last evaluated: 2026-09-01. Review status: criteria provided, single submitter. Criteria: CeGaT Center For Human Genetics Tuebingen Variant Classification Criteria Version 2. Collection method: clinical testing. Allele origin: germline. Affected: yes. Observed: 2 variant alleles.
Comment: ATRX: BS2

Labcorp Genetics (formerly Invitae), Labcorp
Classification: Likely benign for Alpha thalassemia-X-linked intellectual disability syndrome. Last evaluated: 2025-08-03. Review status: criteria provided, single submitter. Criteria: Invitae Variant Classification Sherloc (09022015). Collection method: clinical testing. Allele origin: germline.

GeneDx
Classification: Uncertain significance. Last evaluated: 2022-11-22. Review status: criteria provided, single submitter. Criteria: GeneDx Variant Classification Process June 2021. Collection method: clinical testing. Allele origin: germline. Affected: yes.
Comment: In silico analysis supports that this missense variant has a deleterious effect on protein structure/function; Has not been previously published as pathogenic or benign to our knowledge

Department of Pathology and Laboratory Medicine, Sinai Health System
Classification: Likely benign for ATR-X-related syndrome. Last evaluated: 2021-07-30. Review status: criteria provided, single submitter. Criteria: ACMG Guidelines, 2015. Collection method: research. Allele origin: germline.

Ambry Genetics
Classification: Likely benign for Inborn genetic diseases. Last evaluated: 2017-05-15. Review status: criteria provided, single submitter. Criteria: Ambry Variant Classification Scheme 2023. Collection method: clinical testing. Allele origin: germline.

PreventionGenetics, part of Exact Sciences
Classification: Likely benign for ATRX-related condition. Last evaluated: 2022-10-04. Review status: no assertion criteria provided. Collection method: clinical testing. Allele origin: germline. Not counted in ClinVar's aggregate classification.
Comment: This variant is classified as likely benign based on ACMG/AMP sequence variant interpretation guidelines (Richards et al. 2015 PMID: 25741868, with internal and published modifications).

NM_000489.6(ATRX):c.1168C>T (p.Arg390Cys)

Gene: ATRX (ATRX chromatin remodeler; minus strand). Cytogenetic location: Xq21.1.
Variant type: single nucleotide variant.
Coding change: c.1168C>T on transcript NM_000489.6 (MANE Select); coding-DNA position 1168, C replaced by T.
Protein change: p.Arg390Cys; replaces arginine 390 with cysteine.
Molecular consequence: missense variant.
Genome position (GRCh38, 1-based): chrX:77,684,088, G>A on the plus strand (C>T on the coding strand, the complement: ATRX is on the minus strand). VCF-style: chrX-77684088-G-A. GRCh37 (hg19) VCF-style: chrX-76939580-G-A.
Other names: c.1054C>T, p.Arg352Cys (NM_138270.5); short protein forms R390C, R352C.
Identifiers: ClinVar variation 589005 (VCV000589005.28), dbSNP rs150484080, ClinGen allele CA10458228.
Genomic context (GRCh38, chrX:77,684,088, plus strand): 5'-CCAATGCAAGATGAGCCTTCTTAATATCAGCCAACACAGACTTAAAAGCCTTAAGCTGAC[G>A]TAATTTTGTAGCAGAACTGATTTCTGAATTATCTGTTGCCTGCTTTAAAAATTTAACATA-3'
Protein context (NP_000480.3, residues 380-400): NSEISSATKL[Arg390Cys]QLKAFKSVLA